The following is an entry in ClinVar:

NM_000548.5(TSC2):c.600-3C>G

Gene: TSC2 (TSC complex subunit 2; plus strand). Cytogenetic location: 16p13.3.
Variant type: single nucleotide variant.
Coding change: c.600-3C>G on transcript NM_000548.5 (MANE Select); 3 bases into the intron before coding-DNA position 600, C replaced by G.
Molecular consequence: intron variant. On other transcripts: 5 prime UTR variant (4).
Genome position (GRCh38, 1-based): chr16:2,056,193, C>G. VCF-style: chr16-2056193-C-G. GRCh37 (hg19) VCF-style: chr16-2106194-C-G.
Other names: c.-4C>G (NM_001406680.1, NM_001406683.1, NM_001406687.1); c.-835C>G (NM_001406693.1); c.690-3C>G (NM_001406667.1, NM_001406668.1); c.-832-3C>G (NM_001406689.1, NM_001406690.1, NM_001406692.1 and 2 more transcripts); c.-1008-3C>G (NM_001406698.1); c.600-3C>G (NM_001114382.3, NM_001406663.1, NM_001406664.1 and 8 more transcripts); c.-713-3C>G (NM_001406694.1, NM_001406695.1); c.-820-3C>G (NM_001406696.1); and 6 more.
Identifiers: ClinVar variation 3721949 (VCV003721949.2).
Genomic context (GRCh38, chr16:2,056,193, plus strand): 5'-CAGCCCGTGGTGGCTCGGCCATCCAGGCAGTGCTGCCGGGACTGAGCTCGGTGCTCCCTG[C>G]AGGATGATCTGTCTGCTGTGCGTCCGGACCGCGTCCTCTGTGGACATAGAGGTCAGTGCC-3'

ClinVar aggregate classification (germline): Pathogenic (1 of 4 stars; one submission).

Conditions:
Tuberous sclerosis 2 (TSC2). Identifiers: Orphanet 805, MedGen C1860707, MONDO:0013199, OMIM 613254.

Submission:

Labcorp Genetics (formerly Invitae), Labcorp
Classification: Pathogenic for Tuberous sclerosis 2. Last evaluated: 2024-02-17. Review status: criteria provided, single submitter. Criteria: Invitae Variant Classification Sherloc (09022015). Collection method: clinical testing. Allele origin: germline.
Comment: This sequence change falls in intron 6 of the TSC2 gene. It does not directly change the encoded amino acid sequence of the TSC2 protein. It affects a nucleotide within the consensus splice site. This variant is not present in population databases (gnomAD no frequency). This variant has been observed in individual(s) with tuberous sclerosis complex (PMID: 11688396; Invitae). In at least one individual the variant was observed to be de novo. Variants that disrupt the consensus splice site are a relatively common cause of aberrant splicing (PMID: 17576681, 9536098). Algorithms developed to predict the effect of sequence changes on RNA splicing suggest that this variant may disrupt the consensus splice site. For these reasons, this variant has been classified as Pathogenic.

Literature cited by the submitters: PubMed 11688396; PubMed 17576681; PubMed 9536098.